The following is an entry in ClinVar:

ClinVar aggregate classification (germline): Uncertain significance. Review status: criteria provided, multiple submitters, no conflicts (2 of 4 stars). 2 submissions from 2 submitters: Uncertain significance (2). Last evaluated 2025-06-11.

Conditions:
PEX16-related disorder. Also called: PEX16-related condition.
Peroxisome biogenesis disorder. Identifiers: Orphanet 79189, MedGen C1832200, MONDO:0019234. Disease mechanism: loss of function.

Allele frequency attached by ClinVar (database versions not stated): gnomAD 0.00001; TOPMed 0.00001; gnomAD exomes 0.00002.

Submissions (2):

PreventionGenetics, part of Exact Sciences
Classification: Uncertain significance for PEX16-related condition. Last evaluated: 2025-06-11. Review status: criteria provided, single submitter. Criteria: ACMG Guidelines, 2015. Collection method: clinical testing. Allele origin: germline.
Comment: The PEX16 c.892A>G variant is predicted to result in the amino acid substitution p.Arg298Gly. To our knowledge, this variant has not been reported in the literature or in a large population database (gnomAD), indicating this variant is rare. An alternate missense change at the same amino acid position (p.Arg298Ser) has been reported in the homozygous state in an individual with ataxia, hypotonia, and an abnormal brain MRI, and was classified as uncertain (Supplementary Table 2, Abolhassani et al. 2024. PubMed ID: 38374194). At this time, the clinical significance of this variant is uncertain due to the absence of conclusive functional and genetic evidence.

Labcorp Genetics (formerly Invitae), Labcorp
Classification: Uncertain significance for Peroxisome biogenesis disorder. Last evaluated: 2022-07-05. Review status: criteria provided, single submitter. Criteria: Invitae Variant Classification Sherloc (09022015). Collection method: clinical testing. Allele origin: germline.
Comment: This sequence change replaces arginine, which is basic and polar, with glycine, which is neutral and non-polar, at codon 298 of the PEX16 protein (p.Arg298Gly). This variant is not present in population databases (gnomAD no frequency). This variant has not been reported in the literature in individuals affected with PEX16-related conditions. ClinVar contains an entry for this variant (Variation ID: 1397506). Algorithms developed to predict the effect of missense changes on protein structure and function are either unavailable or do not agree on the potential impact of this missense change (SIFT: "Deleterious"; PolyPhen-2: "Benign"; Align-GVGD: "Class C0"). In summary, the available evidence is currently insufficient to determine the role of this variant in disease. Therefore, it has been classified as a Variant of Uncertain Significance.

NM_004813.4(PEX16):c.892A>G (p.Arg298Gly)

Gene: PEX16 (peroxisomal biogenesis factor 16; minus strand). Cytogenetic location: 11p11.2.
Variant type: single nucleotide variant.
Coding change: c.892A>G on transcript NM_004813.4 (MANE Select); coding-DNA position 892, A replaced by G.
Protein change: p.Arg298Gly; replaces arginine 298 with glycine.
Molecular consequence: missense variant.
Genome position (GRCh38, 1-based): chr11:45,910,958, T>C on the plus strand (A>G on the coding strand, the complement: PEX16 is on the minus strand). VCF-style: chr11-45910958-T-C. GRCh37 (hg19) VCF-style: chr11-45932509-T-C.
Other names: c.892A>G (NM_004813.2); c.892A>G, p.Arg298Gly (NM_057174.3); short protein forms R298G.
Identifiers: ClinVar variation 1397506 (VCV001397506.6), dbSNP rs887278864, ClinGen allele CA221584819.
Genomic context (GRCh38, chr11:45,910,958, plus strand): 5'-TTGTGACCAGGCCAACGCCAGGGACGTGGTCGGCCAGCAACTGGAGCAGGAAGAGGATCC[T>C]GGCCCTGGGGGAGGCAATAAATGGGGAGCAAGCTGAGTGGGGTGGGGGTGGGTCCCTGCA-3'
Protein context (NP_004804.2, residues 288-308): SPFYDRFSEA[Arg298Gly]ILFLLQLLAD